The following is an entry in ClinVar:

ClinVar aggregate classification (germline): Uncertain significance. Review status: criteria provided, multiple submitters, no conflicts (2 of 4 stars). 2 submissions from 2 submitters: Uncertain significance (2). Last evaluated 2023-07-07.

Conditions:
Epilepsy, childhood absence, susceptibility to, 6. Identifiers: Orphanet 64280, MedGen C2749872, MONDO:0012763, OMIM 611942.
Hyperaldosteronism, familial, type IV (HALD4). Also called: FH IV; ALDOSTERONISM, PRIMARY, AND HYPERTENSION. Identifiers: Orphanet 642671, MedGen C4310756, MONDO:0014875, OMIM 617027.
Idiopathic generalized epilepsy. Also called: Generalised epilepsy; EIG. Identifiers: MedGen C0270850, MONDO:0005579, OMIM 600669.

Allele frequency attached by ClinVar (database versions not stated): gnomAD 0.00001; TOPMed 0.00001.
gnomAD v4.1: 1 of 1,609,870 alleles (0.000062%); highest among the groups gnomAD compares: African/African-American, 0.0013%; no homozygotes.

Submissions (2):

Labcorp Genetics (formerly Invitae), Labcorp
Classification: Uncertain significance for Idiopathic generalized epilepsy; Hyperaldosteronism, familial, type IV. Last evaluated: 2023-07-07. Review status: criteria provided, single submitter. Criteria: Invitae Variant Classification Sherloc (09022015). Collection method: clinical testing. Allele origin: germline.
Comment: This sequence change replaces asparagine, which is neutral and polar, with histidine, which is basic and polar, at codon 1489 of the CACNA1H protein (p.Asn1489His). This variant is not present in population databases (gnomAD no frequency). This variant has not been reported in the literature in individuals affected with CACNA1H-related conditions. ClinVar contains an entry for this variant (Variation ID: 1510949). Advanced modeling of protein sequence and biophysical properties (such as structural, functional, and spatial information, amino acid conservation, physicochemical variation, residue mobility, and thermodynamic stability) performed at Invitae indicates that this missense variant is not expected to disrupt CACNA1H protein function. In summary, the available evidence is currently insufficient to determine the role of this variant in disease. Therefore, it has been classified as a Variant of Uncertain Significance.

Fulgent Genetics
Classification: Uncertain significance for Epilepsy, childhood absence, susceptibility to, 6; Hyperaldosteronism, familial, type IV. Last evaluated: 2021-10-19. Review status: criteria provided, single submitter. Criteria: ACMG Guidelines, 2015. Collection method: clinical testing. Allele origin: unknown.

NM_021098.3(CACNA1H):c.4465A>C (p.Asn1489His)

Gene: CACNA1H (calcium voltage-gated channel subunit alpha1 H; plus strand). Cytogenetic location: 16p13.3.
Variant type: single nucleotide variant.
Coding change: c.4465A>C on transcript NM_021098.3 (MANE Select); coding-DNA position 4465, A replaced by C.
Protein change: p.Asn1489His; replaces asparagine 1489 with histidine.
Molecular consequence: missense variant.
Genome position (GRCh38, 1-based): chr16:1,211,595, A>C. VCF-style: chr16-1211595-A-C. GRCh37 (hg19) VCF-style: chr16-1261595-A-C.
Other names: c.4465A>C, p.Asn1489His (NM_001005407.2); short protein forms N1489H.
Identifiers: ClinVar variation 1510949 (VCV001510949.9), dbSNP rs750626623, ClinGen allele CA394179303.
Genomic context (GRCh38, chr16:1,211,595, plus strand): 5'-ACCAAGGCACAGTGCCGGGCCGCCCACTACCGCTGGGTGCGACGCAAGTACAACTTCGAC[A>C]ACCTGGGCCAGGTGGGCTGGGCGGCCGGGCGGGAGCTGGGGGTCTCCAGGACACCCTGGA-3'
Protein context (NP_066921.2, residues 1479-1499): RWVRRKYNFD[Asn1489His]LGQALMSLFV